The following is an entry in ClinVar:

NM_024870.4(PREX2):c.3321T>C (p.Ser1107=)

Gene: PREX2 (phosphatidylinositol-3,4,5-trisphosphate dependent Rac exchange factor 2; plus strand). Cytogenetic location: 8q13.2.
Variant type: single nucleotide variant.
Coding change: c.3321T>C on transcript NM_024870.4 (MANE Select); coding-DNA position 3321, T replaced by C.
Protein change: p.Ser1107=; no amino-acid change (serine 1107 retained).
Molecular consequence: synonymous variant.
Genome position (GRCh38, 1-based): chr8:68,115,927, T>C. VCF-style: chr8-68115927-T-C. GRCh37 (hg19) VCF-style: chr8-69028162-T-C.
Identifiers: ClinVar variation 2658644 (VCV002658644.24), dbSNP rs184339505, ClinGen allele CA4774401.
Genomic context (GRCh38, chr8:68,115,927, plus strand): 5'-TAATGTAGCAGGAGATGAACAGGAAGATTCTGGTCATGACACCATCAGCAACAGAGACTC[T>C]TACAGGTAATTCACTAATTCCTCAAACTCATTTTCTTAACAAAGTCAAATATGATGCTGG-3'
Protein context (NP_079146.2, residues 1097-1117): SGHDTISNRD[Ser1107=]YSDCNSNRNS

ClinVar aggregate classification (germline): Likely benign (1 of 4 stars; one submission).

Allele frequency attached by ClinVar (database versions not stated): gnomAD 0.00005; TOPMed 0.00007; ExAC 0.00010; 1000 Genomes Project 30x 0.00016; 1000 Genomes Project 0.00020.
gnomAD v4.1: 72 of 1,596,282 alleles (0.0045%); highest among the groups gnomAD compares: East Asian, 0.083%; 1 homozygote.

Submission:

CeGaT Center for Human Genetics Tuebingen
Classification: Likely benign. Last evaluated: 2023-03-01. Review status: criteria provided, single submitter. Criteria: CeGaT Center For Human Genetics Tuebingen Variant Classification Criteria Version 2. Collection method: clinical testing. Allele origin: germline. Affected: yes. Observed: 1 variant allele.
Comment: PREX2: BP4, BP7